The following is an entry in ClinVar:

NM_001379286.1(ZNF423):c.877C>T (p.Arg293Cys)

Gene: ZNF423 (zinc finger protein 423; minus strand). Cytogenetic location: 16q12.1.
Variant type: single nucleotide variant.
Coding change: c.877C>T on transcript NM_001379286.1 (MANE Select); coding-DNA position 877, C replaced by T.
Protein change: p.Arg293Cys; replaces arginine 293 with cysteine.
Molecular consequence: missense variant.
Genome position (GRCh38, 1-based): chr16:49,638,299, G>A on the plus strand (C>T on the coding strand, the complement: ZNF423 is on the minus strand). VCF-style: chr16-49638299-G-A. GRCh37 (hg19) VCF-style: chr16-49672210-G-A.
Other names: c.853C>T, p.Arg285Cys (NM_015069.5); c.853C>T (NM_015069.2); c.673C>T, p.Arg225Cys (NM_001271620.2); c.502C>T, p.Arg168Cys (NM_001330533.2); short protein forms R168C, R285C, R225C, R293C.
Identifiers: ClinVar variation 935182 (VCV000935182.9), dbSNP rs201388998, ClinGen allele CA8046803.

ClinVar aggregate classification (germline): Uncertain significance. Review status: criteria provided, multiple submitters, no conflicts (2 of 4 stars). 2 submissions from 2 submitters: Uncertain significance (2). Last evaluated 2023-07-19.

Conditions:
Nephronophthisis 14 (NPHP14). Identifiers: Orphanet 2318, MedGen C3539071, MONDO:0013916, OMIM 614844.

Allele frequency attached by ClinVar (database versions not stated): gnomAD exomes 0.00001 and 0.00003; ExAC 0.00002; TOPMed 0.00003; gnomAD 0.00004; ESP Exome Variant Server 0.00008; 1000 Genomes Project 0.00020; 1000 Genomes Project 30x 0.00031.
gnomAD v4.1: 26 of 1,613,822 alleles (0.0016%); highest among the groups gnomAD compares: Middle Eastern, 0.016%; no homozygotes.

Submissions (2):

Ambry Genetics
Classification: Uncertain significance. Last evaluated: 2023-07-19. Review status: criteria provided, single submitter. Criteria: Ambry Variant Classification Scheme 2023. Collection method: clinical testing. Allele origin: germline.

Labcorp Genetics (formerly Invitae), Labcorp
Classification: Uncertain significance for Nephronophthisis 14. Last evaluated: 2022-08-09. Review status: criteria provided, single submitter. Criteria: Invitae Variant Classification Sherloc (09022015). Collection method: clinical testing. Allele origin: germline.
Comment: In summary, the available evidence is currently insufficient to determine the role of this variant in disease. Therefore, it has been classified as a Variant of Uncertain Significance. Algorithms developed to predict the effect of missense changes on protein structure and function (SIFT, PolyPhen-2, Align-GVGD) all suggest that this variant is likely to be tolerated. ClinVar contains an entry for this variant (Variation ID: 935182). This variant has not been reported in the literature in individuals affected with ZNF423-related conditions. This variant is present in population databases (rs201388998, gnomAD 0.02%). This sequence change replaces arginine, which is basic and polar, with cysteine, which is neutral and slightly polar, at codon 285 of the ZNF423 protein (p.Arg285Cys).